The following is an entry in ClinVar:

ClinVar aggregate classification (germline): Likely pathogenic (1 of 4 stars; one submission).

Conditions:
Agenesis of the corpus callosum with peripheral neuropathy (ACCPN). Also called: POLYNEUROPATHY, SENSORIMOTOR, WITH OR WITHOUT AGENESIS OF THE CORPUS CALLOSUM; HMSN/ACC; CHARLEVOIX DISEASE; Hereditary Motor and Sensory Neuropathy with Agenesis of the Corpus Callosum. Identifiers: Orphanet 1496, MedGen C0795950, MONDO:0000902, OMIM 218000. Disease mechanism: loss of function.

Submission:

NYU Undiagnosed Diseases Program, NYU School of Medicine
Classification: Likely pathogenic for Agenesis of the corpus callosum with peripheral neuropathy. Last evaluated: 2024-02-10. Review status: criteria provided, single submitter. Criteria: ACMG Guidelines, 2015. Collection method: research. Allele origin: germline. Inheritance: Autosomal recessive inheritance. Affected: yes. Observed: 1 homozygote.
Comment: The glycine residue at this locus is conserved, and there are significant physiochemical differences between glycine and valine. Additionally, this variant is absent from the healthy population (gnomAD v4 database), and a functional assay demonstrates a detrimental effect on the encoded KCC3 protein function. Note that this classification is based on unpublished functional assay results.

NM_001365088.1(SLC12A6):c.1133G>T (p.Gly378Val)

Gene: SLC12A6 (solute carrier family 12 member 6; minus strand). Cytogenetic location: 15q14.
Variant type: single nucleotide variant.
Coding change: c.1133G>T on transcript NM_001365088.1 (MANE Select); coding-DNA position 1133, G replaced by T.
Protein change: p.Gly378Val; replaces glycine 378 with valine.
Molecular consequence: missense variant.
Genome position (GRCh38, 1-based): chr15:34,252,370, C>A on the plus strand (G>T on the coding strand, the complement: SLC12A6 is on the minus strand). VCF-style: chr15-34252370-C-A. GRCh37 (hg19) VCF-style: chr15-34544571-C-A.
Other names: c.1106G>T, p.Gly369Val (NM_001042496.2); c.1088G>T, p.Gly363Val (NM_001042497.2); c.980G>T, p.Gly327Val (NM_005135.2); c.1133G>T, p.Gly378Val (NM_133647.2); c.956G>T, p.Gly319Val (NM_001042494.2, NM_001042495.2); short protein forms G319V, G327V, G363V, G369V, G378V.
Identifiers: ClinVar variation 3366314 (VCV003366314.2).
Genomic context (GRCh38, chr15:34,252,370, plus strand): 5'-TTGTTAATTTCCTTGGTCTTAGAGCAAACGTCAATGTGTCTTGATGAAAGGGTGCGGTTA[C>A]CCAGCATGCAGACCCTAAGTGAAAAGAAATAGGGAGAAAGATCAAGTAAGGAAAAAAAGT-3'
Protein context (NP_001352017.1, residues 368-388): APPHFPVCML[Gly378Val]NRTLSSRHID